The following is an entry in ClinVar:

NM_198253.3(TERT):c.889C>A (p.Pro297Thr)

Gene: TERT (telomerase reverse transcriptase; minus strand). Cytogenetic location: 5p15.33.
Variant type: single nucleotide variant.
Coding change: c.889C>A on transcript NM_198253.3 (MANE Select); coding-DNA position 889, C replaced by A.
Protein change: p.Pro297Thr; replaces proline 297 with threonine.
Molecular consequence: missense variant. On other transcripts: non-coding transcript variant (2).
Genome position (GRCh38, 1-based): chr5:1,293,997, G>T on the plus strand (C>A on the coding strand, the complement: TERT is on the minus strand). VCF-style: chr5-1293997-G-T. GRCh37 (hg19) VCF-style: chr5-1294112-G-T.
Other names: c.889C>A, p.Pro297Thr (NM_001193376.3); short protein forms P297T.
Identifiers: ClinVar variation 1037742 (VCV001037742.9), dbSNP rs1751190674, ClinGen allele CA359056291.

ClinVar aggregate classification (germline): Uncertain significance (1 of 4 stars; one submission).

Conditions:
Dyskeratosis congenita, autosomal dominant 2. Identifiers: MedGen C3151443, MONDO:0013521, OMIM 613989.
Idiopathic Pulmonary Fibrosis. Also called: Idiopathic fibrosing alveolitis, chronic form; idiopathic fibrosing alveolitis. Identifiers: Orphanet 2032, MedGen C1800706, MeSH D054990, MONDO:0800504.

Submission:

Labcorp Genetics (formerly Invitae), Labcorp
Classification: Uncertain significance for Dyskeratosis congenita, autosomal dominant 2; Idiopathic Pulmonary Fibrosis. Last evaluated: 2020-09-21. Review status: criteria provided, single submitter. Criteria: Invitae Variant Classification Sherloc (09022015). Collection method: clinical testing. Allele origin: germline.
Comment: In summary, the available evidence is currently insufficient to determine the role of this variant in disease. Therefore, it has been classified as a Variant of Uncertain Significance. Advanced modeling of protein sequence and biophysical properties (such as structural, functional, and spatial information, amino acid conservation, physicochemical variation, residue mobility, and thermodynamic stability) performed at Invitae indicates that this missense variant is not expected to disrupt TERT protein function. This variant has not been reported in the literature in individuals with TERT-related conditions. This variant is not present in population databases (ExAC no frequency). This sequence change replaces proline with threonine at codon 297 of the TERT protein (p.Pro297Thr). The proline residue is moderately conserved and there is a small physicochemical difference between proline and threonine.